The following is an entry in ClinVar:

ClinVar aggregate classification (germline): Likely benign (1 of 4 stars; one submission).

Submission:

CeGaT Center for Human Genetics Tuebingen
Classification: Likely benign. Last evaluated: 2026-06-01. Review status: criteria provided, single submitter. Criteria: CeGaT Center For Human Genetics Tuebingen Variant Classification Criteria Version 2. Collection method: clinical testing. Allele origin: germline. Affected: yes. Observed: 1 variant allele.
Comment: FLG2: BP4, BP7

NM_001014342.3(FLG2):c.6000A>G (p.Gln2000=)

Genes: CCDST (cervical cancer associated DHX9 suppressive transcript; plus strand), FLG2 (filaggrin 2; minus strand). Cytogenetic location: 1q21.3.
Variant type: single nucleotide variant.
Coding change: c.6000A>G on transcript NM_001014342.3 (MANE Select); coding-DNA position 6000, A replaced by G.
Protein change: p.Gln2000=; no amino-acid change (glutamine 2000 retained).
Molecular consequence: synonymous variant.
Genome position (GRCh38, 1-based): chr1:152,351,786, T>C on the plus strand (A>G on the coding strand, the complement: FLG2 is on the minus strand). VCF-style: chr1-152351786-T-C. GRCh37 (hg19) VCF-style: chr1-152324262-T-C.
Identifiers: ClinVar variation 4872945 (VCV004872945.2).